The following is an entry in ClinVar:

ClinVar aggregate classification (germline): Uncertain significance (1 of 4 stars; one submission).

Allele frequency attached by ClinVar (database versions not stated): gnomAD exomes 0.00001; TOPMed 0.00001.
gnomAD v4.1: 12 of 1,614,014 alleles (0.00074%); highest among the groups gnomAD compares: Non-Finnish European, 0.001%; no homozygotes.

Submission:

Labcorp Genetics (formerly Invitae), Labcorp
Classification: Uncertain significance. Last evaluated: 2023-08-24. Review status: criteria provided, single submitter. Criteria: Invitae Variant Classification Sherloc (09022015). Collection method: clinical testing. Allele origin: germline.
Comment: In summary, the available evidence is currently insufficient to determine the role of this variant in disease. Therefore, it has been classified as a Variant of Uncertain Significance. An algorithm developed to predict the effect of missense changes on protein structure and function (PolyPhen-2) suggests that this variant¬†is likely to be tolerated. ClinVar contains an entry for this variant (Variation ID: 2140998). This variant has not been reported in the literature in individuals affected with HMOX1-related conditions. This variant is present in population databases (no rsID available, gnomAD 0.003%). This sequence change replaces arginine, which is basic and polar, with cysteine, which is neutral and slightly polar, at codon 123 of the HMOX1 protein (p.Arg123Cys).

NM_002133.3(HMOX1):c.367C>T (p.Arg123Cys)

Gene: HMOX1 (heme oxygenase 1; plus strand). Cytogenetic location: 22q12.3.
Variant type: single nucleotide variant.
Coding change: c.367C>T on transcript NM_002133.3 (MANE Select); coding-DNA position 367, C replaced by T.
Protein change: p.Arg123Cys; replaces arginine 123 with cysteine.
Molecular consequence: missense variant.
Genome position (GRCh38, 1-based): chr22:35,386,907, C>T. VCF-style: chr22-35386907-C-T. GRCh37 (hg19) VCF-style: chr22-35782900-C-T.
Other names: short protein forms R123C.
Identifiers: ClinVar variation 2140998 (VCV002140998.2), dbSNP rs1239968647, ClinGen allele CA411352566.